The following is an entry in ClinVar:

NM_006231.4(POLE):c.31G>T (p.Ala11Ser)

Genes: POLE (DNA polymerase epsilon, catalytic subunit; minus strand), LOC130009266 (ATAC-STARR-seq lymphoblastoid silent region 5123; plus strand). Cytogenetic location: 12q24.33.
Variant type: single nucleotide variant.
Coding change: c.31G>T on transcript NM_006231.4 (MANE Select); coding-DNA position 31, G replaced by T.
Protein change: p.Ala11Ser; replaces alanine 11 with serine.
Molecular consequence: missense variant.
Genome position (GRCh38, 1-based): chr12:132,687,285, C>A on the plus strand (G>T on the coding strand, the complement: POLE is on the minus strand). VCF-style: chr12-132687285-C-A. GRCh37 (hg19) VCF-style: chr12-133263871-C-A.
Other names: c.31G>T (NM_006231.2); short protein forms A11S.
Identifiers: ClinVar variation 1356157 (VCV001356157.7), dbSNP rs1593099072, ClinGen allele CA387373435.

ClinVar aggregate classification (germline): Uncertain significance. Review status: criteria provided, multiple submitters, no conflicts (2 of 4 stars). 2 submissions from 2 submitters: Uncertain significance (2). Last evaluated 2026-04-13.

Conditions:
Hereditary cancer-predisposing syndrome. Also called: Neoplastic Syndromes, Hereditary; Tumor predisposition; Hereditary Cancer Syndrome; Hereditary neoplastic syndrome. Identifiers: Orphanet 140162, MedGen C0027672, MeSH D009386, MONDO:0015356.

Submissions (2):

Ambry Genetics
Classification: Uncertain significance for Hereditary cancer-predisposing syndrome. Last evaluated: 2026-04-13. Review status: criteria provided, single submitter. Criteria: Ambry Variant Classification Scheme 2023. Collection method: clinical testing. Allele origin: germline.
Comment: The p.A11S variant (also known as c.31G>T), located in coding exon 1 of the POLE gene, results from a G to T substitution at nucleotide position 31. The alanine at codon 11 is replaced by serine, an amino acid with similar properties. This amino acid position is conserved. In addition, this alteration is predicted to be tolerated by in silico analysis. Based on the available evidence, the clinical significance of this variant remains unclear.

Labcorp Genetics (formerly Invitae), Labcorp
Classification: Uncertain significance. Last evaluated: 2025-03-31. Review status: criteria provided, single submitter. Criteria: Invitae Variant Classification Sherloc (09022015). Collection method: clinical testing. Allele origin: germline.
Comment: This sequence change replaces alanine, which is neutral and non-polar, with serine, which is neutral and polar, at codon 11 of the POLE protein (p.Ala11Ser). This variant is not present in population databases (gnomAD no frequency). This variant has not been reported in the literature in individuals affected with POLE-related conditions. ClinVar contains an entry for this variant (Variation ID: 1356157). Experimental studies and prediction algorithms are not available or were not evaluated, and the functional significance of this variant is currently unknown. In summary, the available evidence is currently insufficient to determine the role of this variant in disease. Therefore, it has been classified as a Variant of Uncertain Significance.